The following is an entry in ClinVar:

NM_014989.7(RIMS1):c.2372+8A>G

Gene: RIMS1 (regulating synaptic membrane exocytosis 1; plus strand). Cytogenetic location: 6q13.
Variant type: single nucleotide variant.
Coding change: c.2372+8A>G on transcript NM_014989.7 (MANE Select); 8 bases into the intron after coding-DNA position 2372, A replaced by G.
Molecular consequence: intron variant.
Genome position (GRCh38, 1-based): chr6:72,250,468, A>G. VCF-style: chr6-72250468-A-G. GRCh37 (hg19) VCF-style: chr6-72960171-A-G.
Other names: c.725+8A>G (NM_001350428.2, NM_001350459.2, NM_001350424.2 and 6 more transcripts); c.794+8A>G (NM_001350458.2, NM_001350433.2, NM_001350446.2 and 37 more transcripts); c.551+8A>G (NM_001350469.2, NM_001168409.2, NM_001350466.2 and 6 more transcripts); c.749+8A>G (NM_001350470.2, NM_001168410.2, NM_001350473.2 and 2 more transcripts).
Identifiers: ClinVar variation 4994309 (VCV004994309.1).

ClinVar aggregate classification (germline): Uncertain significance (1 of 4 stars; one submission).

Conditions:
RIMS1-related disorder. Also called: RIMS1-related condition.

Submission:

PreventionGenetics, part of Exact Sciences
Classification: Uncertain significance for RIMS1-related condition. Last evaluated: 2026-03-31. Review status: criteria provided, single submitter. Criteria: ACMG Guidelines, 2015. Collection method: clinical testing. Allele origin: germline.
Comment: The RIMS1 c.2372+8A>G variant is predicted to interfere with splicing. This variant is predicted to alter splicing based on available splicing prediction programs (SpliceAI, Jaganathan et al. 2019. PubMed ID: 30661751). However, the use of computer prediction programs is not equivalent to functional evidence. To our knowledge, this variant has not been reported in the literature or in a large population database (gnomAD), indicating this variant is rare. At this time, the clinical significance of this variant is uncertain due to the absence of conclusive functional and genetic evidence.